The following is an entry in ClinVar:

ClinVar aggregate classification (germline): Likely benign (1 of 4 stars; one submission).

Allele frequency attached by ClinVar (database versions not stated): 1000 Genomes Project 0.00120; 1000 Genomes Project 30x 0.00141.
gnomAD v4.1: 9,584 of 1,580,534 alleles (0.61%); highest among the groups gnomAD compares: Non-Finnish European, 0.72%; 34 homozygotes.

Submission:

CeGaT Center for Human Genetics Tuebingen
Classification: Likely benign. Last evaluated: 2026-08-01. Review status: criteria provided, single submitter. Criteria: CeGaT Center For Human Genetics Tuebingen Variant Classification Criteria Version 2. Collection method: clinical testing. Allele origin: germline. Affected: yes. Observed: 53 variant alleles.
Comment: LMNA: BS2

NM_170707.4(LMNA):c.1968+80G>T

Gene: LMNA (lamin A/C; plus strand). Cytogenetic location: 1q22.
Variant type: single nucleotide variant.
Coding change: c.1968+80G>T on transcript NM_170707.4 (MANE Select); 80 bases into the intron after coding-DNA position 1968, G replaced by T.
Molecular consequence: intron variant.
Genome position (GRCh38, 1-based): chr1:156,138,837, G>T. VCF-style: chr1-156138837-G-T. GRCh37 (hg19) VCF-style: chr1-156108628-G-T.
Other names: c.1968+80G>T (NM_001406983.1, NM_001406991.1, NM_001406985.1); c.1410+80G>T (NM_001406993.1, NM_001406995.1, NM_001406990.1 and 2 more transcripts); c.1344+80G>T (NM_001406999.1, NM_001407000.1, NM_001406994.1 and 1 more transcripts); c.1725+80G>T (NM_001406986.1, NM_001406987.1); c.1818+230G>T (NM_001282626.2); c.1878+80G>T (NM_170708.4); c.1632+80G>T (NM_001406989.1, NM_001257374.3); c.1671+80G>T (NM_001406988.1).
Identifiers: ClinVar variation 2578586 (VCV002578586.25), dbSNP rs149646529, ClinGen allele CA31015937.